The following is an entry in ClinVar:

NM_003900.5(SQSTM1):c.911C>T (p.Thr304Met)

Gene: SQSTM1 (sequestosome 1; plus strand). Cytogenetic location: 5q35.3.
Variant type: single nucleotide variant.
Coding change: c.911C>T on transcript NM_003900.5 (MANE Select); coding-DNA position 911, C replaced by T.
Protein change: p.Thr304Met; replaces threonine 304 with methionine.
Molecular consequence: missense variant.
Genome position (GRCh38, 1-based): chr5:179,833,188, C>T. VCF-style: chr5-179833188-C-T. GRCh37 (hg19) VCF-style: chr5-179260188-C-T.
Other names: c.659C>T, p.Thr220Met (NM_001142298.2, NM_001142299.2); short protein forms T220M, T304M.
Identifiers: ClinVar variation 1403059 (VCV001403059.8), dbSNP rs150926394, ClinGen allele CA3600722.
Genomic context (GRCh38, chr5:179,833,188, plus strand): 5'-CACAGCCAAGCAGCTGCTGCTCTGACCCCAGCAAGCCGGGTGGGAATGTTGAGGGCGCCA[C>T]GCAGTCTCTGGCGGAGCAGATGAGGAAGATCGCCTTGGAGTCCGAGGGGCGCCCTGAGGC-3'
Protein context (NP_003891.1, residues 294-314): SKPGGNVEGA[Thr304Met]QSLAEQMRKI

ClinVar aggregate classification (germline): Uncertain significance (1 of 4 stars; one submission).

Conditions:
Frontotemporal dementia and/or amyotrophic lateral sclerosis 1 (FTDALS1). Also called: C9orf72 Frontotemporal Dementia and/or Amyotrophic Lateral Sclerosis; Frontotemporal dementia with motor neuron disease 1. Identifiers: Orphanet 275872, MedGen C5779877, MONDO:0007105, OMIM 105550.
Paget disease of bone 2, early-onset (PDB2). Also called: Paget disease of bone 2. Identifiers: MedGen C4085251, MONDO:0011183, OMIM 602080.

Allele frequency attached by ClinVar (database versions not stated): gnomAD 0.00003 and 0.00004; TOPMed 0.00003; gnomAD exomes 0.00004; ExAC 0.00005; ESP Exome Variant Server 0.00008.

Submission:

Labcorp Genetics (formerly Invitae), Labcorp
Classification: Uncertain significance for Paget disease of bone 2, early-onset; Frontotemporal dementia and/or amyotrophic lateral sclerosis 1. Last evaluated: 2024-10-25. Review status: criteria provided, single submitter. Criteria: Invitae Variant Classification Sherloc (09022015). Collection method: clinical testing. Allele origin: germline.
Comment: This sequence change replaces threonine, which is neutral and polar, with methionine, which is neutral and non-polar, at codon 304 of the SQSTM1 protein (p.Thr304Met). This variant is present in population databases (rs150926394, gnomAD 0.03%). This missense change has been observed in individual(s) with amyotrophic lateral sclerosis (PMID: 29411640). ClinVar contains an entry for this variant (Variation ID: 1403059). Invitae Evidence Modeling of protein sequence and biophysical properties (such as structural, functional, and spatial information, amino acid conservation, physicochemical variation, residue mobility, and thermodynamic stability) indicates that this missense variant is not expected to disrupt SQSTM1 protein function with a negative predictive value of 80%. In summary, the available evidence is currently insufficient to determine the role of this variant in disease. Therefore, it has been classified as a Variant of Uncertain Significance.

Literature cited by the submitters: PubMed 29411640.